The following is an entry in ClinVar:

NM_000136.3(FANCC):c.1330-1G>A

Genes: AOPEP (aminopeptidase O (putative); plus strand), FANCC (FA complementation group C; minus strand). Cytogenetic location: 9q22.32.
Variant type: single nucleotide variant.
Coding change: c.1330-1G>A on transcript NM_000136.3 (MANE Select); the canonical splice acceptor site of the intron before coding-DNA position 1330, G replaced by A.
Molecular consequence: splice acceptor variant.
Genome position (GRCh38, 1-based): chr9:95,107,270, C>T on the plus strand (G>A on the coding strand, the complement: FANCC is on the minus strand). VCF-style: chr9-95107270-C-T. GRCh37 (hg19) VCF-style: chr9-97869552-C-T.
Other names: c.1330-1G>A (NM_001243743.2).
Identifiers: ClinVar variation 4706728 (VCV004706728.3).

ClinVar aggregate classification (germline): Likely pathogenic. Review status: criteria provided, multiple submitters, no conflicts (2 of 4 stars). 2 submissions from 2 submitters: Likely pathogenic (2). Last evaluated 2025-12-03.

Conditions:
Fanconi anemia complementation group C (FANCC). Also called: FANCONI PANCYTOPENIA, TYPE 3; FACC; Fanconi anemia, group C; FANCC-Related Fanconi Anemia. Identifiers: Orphanet 84, MedGen C3468041, MONDO:0009213, OMIM 227645.
Fanconi anemia (FA). Also called: Fanconi's anemia. Identifiers: Orphanet 84, MedGen C0015625, MeSH D005199, MONDO:0019391.

Submissions (2):

Labcorp Genetics (formerly Invitae), Labcorp
Classification: Likely pathogenic for Fanconi anemia. Last evaluated: 2025-12-03. Review status: criteria provided, single submitter. Criteria: Invitae Variant Classification Sherloc (09022015). Collection method: clinical testing. Allele origin: germline.
Comment: This sequence change affects an acceptor splice site in intron 13 of the FANCC gene. It is expected to disrupt RNA splicing. Variants that disrupt the donor or acceptor splice site typically lead to a loss of protein function (PMID: 16199547), and loss-of-function variants in FANCC are known to be pathogenic (PMID: 17924555). This variant is not present in population databases (gnomAD no frequency). Disruption of this splice site has been observed in individual(s) with clinical features of Fanconi anemia (PMID: 35562572). Algorithms developed to predict the effect of sequence changes on RNA splicing suggest that this variant may disrupt the consensus splice site. In summary, the currently available evidence indicates that the variant is pathogenic, but additional data are needed to prove that conclusively. Therefore, this variant has been classified as Likely Pathogenic.

Juno Genomics, Hangzhou Juno Genomics, Inc
Classification: Likely pathogenic for Fanconi anemia complementation group C. Review status: criteria provided, single submitter. Criteria: ACMG Guidelines, 2015. Collection method: clinical testing. Allele origin: germline.
Comment: Absent from controls (or at extremely low frequency if recessive) in Genome Aggregation Database.;Null variant in a gene where loss of function (LOF) is a known mechanism of disease.;For recessive disorders, detected in trans with a pathogenic variant.

Literature cited by the submitters: PubMed 16199547 (cited by Labcorp Genetics (formerly Invitae), Labcorp); PubMed 17924555 (cited by Labcorp Genetics (formerly Invitae), Labcorp); PubMed 35562572 (cited by Labcorp Genetics (formerly Invitae), Labcorp).